The following is an entry in ClinVar:

ClinVar aggregate classification (germline): Likely pathogenic (1 of 4 stars; one submission).

Conditions:
Hereditary cancer-predisposing syndrome. Also called: Neoplastic Syndromes, Hereditary; Tumor predisposition; Hereditary Cancer Syndrome; Hereditary neoplastic syndrome. Identifiers: Orphanet 140162, MedGen C0027672, MeSH D009386, MONDO:0015356.

Submission:

Ambry Genetics
Classification: Likely pathogenic for Hereditary cancer-predisposing syndrome. Last evaluated: 2024-12-10. Review status: criteria provided, single submitter. Criteria: Ambry Variant Classification Scheme 2023. Collection method: clinical testing. Allele origin: germline.
Comment: The c.5656_5660delGAAAA variant, located in coding exon 15 of the APC gene, results from a deletion of 5 nucleotides at nucleotide positions 5656 to 5660, causing a translational frameshift with a predicted alternate stop codon (p.E1886*). This alteration occurs at the 3' terminus of theAPC gene, is not expected to trigger nonsense-mediated mRNA decay, and impacts the last 33.7% of the protein. However, premature stop codons are typically deleterious in nature, and a significant portion of the protein is affected (Ambry internal data). This variant is considered to be rare based on population cohorts in the Genome Aggregation Database (gnomAD). Based on the majority of available evidence to date, this variant is likely to be pathogenic.

NM_000038.6(APC):c.5656_5660del (p.Lys1885_Glu1886insTer)

Gene: APC (APC regulator of Wnt signaling pathway; plus strand). Cytogenetic location: 5q22.2.
Variant type: Deletion.
Coding change: c.5656_5660del on transcript NM_000038.6 (MANE Select); coding-DNA positions 5656 to 5660, 5 bases deleted (GAAAA; older notation c.5656_5660delGAAAA).
Protein change: p.Lys1885_Glu1886insTer.
Molecular consequence: nonsense. On other transcripts: non-coding transcript variant (2).
Genome position (GRCh38, 1-based): chr5:112,841,250-112,841,254, GAAAA deleted; deleting any 5 consecutive bases within chr5:112,841,246-112,841,254 gives the same sequence; the c. name uses the placement nearest the transcript's 3' end. VCF-style (leftmost placement, unchanged base first): chr5-112841245-CAAAAG-C. GRCh37 (hg19) VCF-style: chr5-112176942-CAAAAG-C.
Other names: c.5656_5660del, p.Lys1885_Glu1886insTer (NM_001127510.3, NM_001354895.2, NM_001407450.1); c.5602_5606del, p.Lys1867_Glu1868insTer (NM_001127511.3); c.5710_5714del, p.Lys1903_Glu1904insTer (NM_001354896.2, NM_001407447.1, NM_001407448.1 and 1 more transcripts); c.5686_5690del, p.Lys1895_Glu1896insTer (NM_001354897.2); c.5581_5585del, p.Lys1860_Glu1861insTer (NM_001354898.2); c.5572_5576del, p.Lys1857_Glu1858insTer (NM_001354899.2); c.5533_5537del, p.Lys1844_Glu1845insTer (NM_001354900.2); c.5479_5483del, p.Lys1826_Glu1827insTer (NM_001354901.2, NM_001407453.1); and 11 more.
Identifiers: ClinVar variation 3412418 (VCV003412418.1).